The following is an entry in ClinVar:

ClinVar aggregate classification (germline): Uncertain significance (1 of 4 stars; one submission).

Conditions:
Autosomal recessive limb-girdle muscular dystrophy type 2D (LGMDR3). Also called: ADHALINOPATHY, PRIMARY; DUCHENNE-LIKE AUTOSOMAL RECESSIVE MUSCULAR DYSTROPHY, TYPE 2; MUSCULAR DYSTROPHY, LIMB-GIRDLE, AUTOSOMAL RECESSIVE 3. Identifiers: Orphanet 62, MedGen C2936332, MONDO:0011968, OMIM 608099. Disease mechanism: Affects gamma-sarcoglycan and also disrupts the integrity of the entire sarcoglycan complex..

gnomAD v4.1: 1 of 1,614,000 alleles (0.000062%); highest among the groups gnomAD compares: Non-Finnish European, 0.000085%; no homozygotes.

Submission:

Labcorp Genetics (formerly Invitae), Labcorp
Classification: Uncertain significance for Autosomal recessive limb-girdle muscular dystrophy type 2D. Last evaluated: 2021-06-08. Review status: criteria provided, single submitter. Criteria: Invitae Variant Classification Sherloc (09022015). Collection method: clinical testing. Allele origin: germline.
Comment: Advanced modeling of protein sequence and biophysical properties (such as structural, functional, and spatial information, amino acid conservation, physicochemical variation, residue mobility, and thermodynamic stability) performed at Invitae indicates that this missense variant is not expected to disrupt SGCA protein function. Algorithms developed to predict the effect of sequence changes on RNA splicing suggest that this variant may create or strengthen a splice site, but this prediction has not been confirmed by published transcriptional studies. In summary, the available evidence is currently insufficient to determine the role of this variant in disease. Therefore, it has been classified as a Variant of Uncertain Significance. This variant has not been reported in the literature in individuals with SGCA-related conditions. This sequence change replaces methionine with lysine at codon 212 of the SGCA protein (p.Met212Lys). The methionine residue is moderately conserved and there is a moderate physicochemical difference between methionine and lysine. This variant is not present in population databases (ExAC no frequency).

NM_000023.4(SGCA):c.635T>A (p.Met212Lys)

Gene: SGCA (sarcoglycan alpha; plus strand). Cytogenetic location: 17q21.33.
Variant type: single nucleotide variant.
Coding change: c.635T>A on transcript NM_000023.4 (MANE Select); coding-DNA position 635, T replaced by A.
Protein change: p.Met212Lys; replaces methionine 212 with lysine.
Molecular consequence: missense variant. On other transcripts: non-coding transcript variant (1), intron variant (1).
Genome position (GRCh38, 1-based): chr17:50,169,142, T>A. VCF-style: chr17-50169142-T-A. GRCh37 (hg19) VCF-style: chr17-48246503-T-A.
Other names: c.584+570T>A (NM_001135697.3); short protein forms M212K.
Identifiers: ClinVar variation 1360047 (VCV001360047.8), dbSNP rs2144498202, ClinGen allele CA400180551.
Genomic context (GRCh38, chr17:50,169,142, plus strand): 5'-CTGGTCCCAGGGTATACATTAAGGTGGGTTCTGCCTCACCTTTTTCTACTTGCCTGAAGA[T>A]GGTGGCATCCCCCGATAGCCACGCCCGCTGTGCCCAGGGCCAGCCTCCACTTCTGTCTTG-3'
Protein context (NP_000014.1, residues 202-222): SASPFSTCLK[Met212Lys]VASPDSHARC